The following is an entry in ClinVar:

ClinVar aggregate classification (germline): Pathogenic. Review status: no assertion criteria provided (0 of 4 stars). 2 submissions from 2 submitters: Pathogenic (1). 1 of the submissions does not count toward it. Last evaluated 2014-03-06.

Conditions:
Hyperammonemic encephalopathy due to carbonic anhydrase VA deficiency. Also called: Carbonic anhydrase VA deficiency, hyperammonemia due to; Carbonic Anhydrase VA Deficiency. Identifiers: Orphanet 401948, MedGen C4706871, MONDO:0014332, OMIM 615751.

Submissions (2):

OMIM
Classification: Pathogenic for CARBONIC ANHYDRASE VA DEFICIENCY, HYPERAMMONEMIA DUE TO. Last evaluated: 2014-03-06. Review status: no assertion criteria provided. Collection method: literature only. Allele origin: germline.

GeneReviews
No classification provided. Condition: Hyperammonemic encephalopathy due to carbonic anhydrase VA deficiency. Review status: no classification provided. Collection method: literature only. Allele origin: germline. Not counted in ClinVar's aggregate classification.
Comment: The phenotype was not more severe in persons homozygous for this deletion (resulting in absence of carbonic anhydrase VA in the liver) than the phenotype observed w/other variants.

Literature cited by the submitters: PubMed 24530203 (cited by OMIM and GeneReviews); PubMed 26913920 (cited by OMIM); PubMed 25834911 (cited by GeneReviews).

NM_001739.2(CA5A):c.619-3421_774+502del

Gene: CA5A (carbonic anhydrase 5A; minus strand). Cytogenetic location: 16q24.2.
Variant type: Deletion.
Coding change: c.619-3421_774+502del on transcript NM_001739.2 (MANE Select); 3421 bases into the intron before coding-DNA position 619 through 502 bases into the intron after coding-DNA position 774, 4,079 bases deleted.
Molecular consequence: splice acceptor variant, splice donor variant.
Genome position (GRCh38, 1-based): chr16:87,891,297-87,895,375, 4,079 bases deleted. GRCh37 (hg19): chr16:87,924,903-87,928,981.
Other names: delexon6(4078bp); 4-KB DEL; c.619-3420_c.774+502del4078bp, p.Asp207_Gln258del (NM_001739.1); c.619-3421_774+502del (NM_001367225.1).
Identifiers: ClinVar variation 127089 (VCV000127089.4), ClinGen allele CA345531.